The following is an entry in ClinVar:

NM_152393.4(KLHL40):c.1183A>G (p.Met395Val)

Gene: KLHL40 (kelch like family member 40; plus strand). Cytogenetic location: 3p22.1.
Variant type: single nucleotide variant.
Coding change: c.1183A>G on transcript NM_152393.4 (MANE Select); coding-DNA position 1183, A replaced by G.
Protein change: p.Met395Val; replaces methionine 395 with valine.
Molecular consequence: missense variant.
Genome position (GRCh38, 1-based): chr3:42,688,172, A>G. VCF-style: chr3-42688172-A-G. GRCh37 (hg19) VCF-style: chr3-42729664-A-G.
Other names: short protein forms M395V.
Identifiers: ClinVar variation 943973 (VCV000943973.6), dbSNP rs199854093, ClinGen allele CA2336849.

ClinVar aggregate classification (germline): Uncertain significance (1 of 4 stars; one submission).

Conditions:
Nemaline myopathy 8 (NEM8). Also called: Nemaline myopathy 8, autosomal recessive. Identifiers: Orphanet 171430, MedGen C3809209, MONDO:0014138, OMIM 615348.

Allele frequency attached by ClinVar (database versions not stated): ExAC 0.00076.

Submission:

Labcorp Genetics (formerly Invitae), Labcorp
Classification: Uncertain significance for Nemaline myopathy 8. Last evaluated: 2019-07-05. Review status: criteria provided, single submitter. Criteria: Invitae Variant Classification Sherloc (09022015). Collection method: clinical testing. Allele origin: germline.
Comment: This sequence change replaces methionine with valine at codon 395 of the KLHL40 protein (p.Met395Val). The methionine residue is moderately conserved and there is a small physicochemical difference between methionine and valine. The frequency data for this variant in the population databases is considered unreliable, as metrics indicate poor data quality at this position in the ExAC database. This variant has not been reported in the literature in individuals with KLHL40-related conditions. Algorithms developed to predict the effect of missense changes on protein structure and function are either unavailable or do not agree on the potential impact of this missense change (SIFT: "Deleterious"; PolyPhen-2: "Benign"; Align-GVGD: "Class C0"). In summary, the available evidence is currently insufficient to determine the role of this variant in disease. Therefore, it has been classified as a Variant of Uncertain Significance.